The following is an entry in ClinVar:

NM_152730.6(TBC1D32):c.2951C>G (p.Ser984Cys)

Gene: TBC1D32 (TBC1 domain family member 32; minus strand). Cytogenetic location: 6q22.31.
Variant type: single nucleotide variant.
Coding change: c.2951C>G on transcript NM_152730.6 (MANE Select); coding-DNA position 2951, C replaced by G.
Protein change: p.Ser984Cys; replaces serine 984 with cysteine.
Molecular consequence: missense variant. On other transcripts: non-coding transcript variant (1).
Genome position (GRCh38, 1-based): chr6:121,126,410, G>C on the plus strand (C>G on the coding strand, the complement: TBC1D32 is on the minus strand). VCF-style: chr6-121126410-G-C. GRCh37 (hg19) VCF-style: chr6-121447556-G-C.
Other names: c.3074C>G, p.Ser1025Cys (NM_001367759.1, NM_001367760.1); short protein forms S1025C, S984C.
Identifiers: ClinVar variation 1395650 (VCV001395650.6), dbSNP rs1011686211, ClinGen allele CA365561417.

ClinVar aggregate classification (germline): Uncertain significance (1 of 4 stars; one submission).

Submission:

Labcorp Genetics (formerly Invitae), Labcorp
Classification: Uncertain significance. Last evaluated: 2022-07-19. Review status: criteria provided, single submitter. Criteria: Invitae Variant Classification Sherloc (09022015). Collection method: clinical testing. Allele origin: germline.
Comment: In summary, the available evidence is currently insufficient to determine the role of this variant in disease. Therefore, it has been classified as a Variant of Uncertain Significance. Algorithms developed to predict the effect of missense changes on protein structure and function are either unavailable or do not agree on the potential impact of this missense change (SIFT: "Deleterious"; PolyPhen-2: "Benign"; Align-GVGD: "Class C15"). ClinVar contains an entry for this variant (Variation ID: 1395650). This variant has not been reported in the literature in individuals affected with TBC1D32-related conditions. This variant is not present in population databases (gnomAD no frequency). This sequence change replaces serine, which is neutral and polar, with cysteine, which is neutral and slightly polar, at codon 984 of the TBC1D32 protein (p.Ser984Cys).